The following is an entry in ClinVar:

NM_017636.4(TRPM4):c.13G>C (p.Glu5Gln)

Gene: TRPM4 (transient receptor potential cation channel subfamily M member 4; plus strand). Cytogenetic location: 19q13.33.
Variant type: single nucleotide variant.
Coding change: c.13G>C on transcript NM_017636.4 (MANE Select); coding-DNA position 13, G replaced by C.
Protein change: p.Glu5Gln; replaces glutamic acid 5 with glutamine.
Molecular consequence: missense variant. On other transcripts: 5 prime UTR variant (3).
Genome position (GRCh38, 1-based): chr19:49,157,879, G>C. VCF-style: chr19-49157879-G-C. GRCh37 (hg19) VCF-style: chr19-49661136-G-C.
Other names: c.13G>C (NM_017636.3); c.13G>C, p.Glu5Gln (NM_001195227.2, NM_001321281.2); c.-1360G>C (NM_001321282.2); c.-154G>C (NM_001321283.2); c.-317G>C (NM_001321285.2); short protein forms E5Q.
Identifiers: ClinVar variation 3706631 (VCV003706631.3).
Genomic context (GRCh38, chr19:49,157,879, plus strand): 5'-GGAGCGCCGGGGCCCTGGGCTGCAGGAGGTTGCGGCGGCCGCGGCAGCATGGTGGTGCCG[G>C]AGAAGGAGCAGGTGAGCGCCGGACCAGGGTCTGCGGGAGCGCGGAGCTGGGGACCTCGCC-3'
Protein context (NP_060106.2, residues 1-15): MVVP[Glu5Gln]KEQSWIPKIF

ClinVar aggregate classification (germline): Uncertain significance. Review status: criteria provided, multiple submitters, no conflicts (2 of 4 stars). 2 submissions from 2 submitters: Uncertain significance (2). Last evaluated 2025-04-12.

Conditions:
Progressive familial heart block type IB (PFHB1B). Identifiers: Orphanet 871, MedGen C1970298, MONDO:0011474, OMIM 604559.
Cardiovascular phenotype. Identifiers: MedGen CN230736.

gnomAD v4.1: 8 of 1,535,092 alleles (0.00052%); highest among the groups gnomAD compares: Non-Finnish European, 0.00061%; no homozygotes.

Submissions (2):

Ambry Genetics
Classification: Uncertain significance for Cardiovascular phenotype. Last evaluated: 2025-04-12. Review status: criteria provided, single submitter. Criteria: Ambry Variant Classification Scheme 2023. Collection method: clinical testing. Allele origin: germline.
Comment: The p.E5Q variant (also known as c.13G>C), located in coding exon 1 of the TRPM4 gene, results from a G to C substitution at nucleotide position 13. The glutamic acid at codon 5 is replaced by glutamine, an amino acid with highly similar properties. This amino acid position is conserved. In addition, this alteration is predicted to be tolerated by in silico analysis. Based on the available evidence, the clinical significance of this variant remains unclear.

Labcorp Genetics (formerly Invitae), Labcorp
Classification: Uncertain significance for Progressive familial heart block type IB. Last evaluated: 2024-09-29. Review status: criteria provided, single submitter. Criteria: Invitae Variant Classification Sherloc (09022015). Collection method: clinical testing. Allele origin: germline.
Comment: This sequence change replaces glutamic acid, which is acidic and polar, with glutamine, which is neutral and polar, at codon 5 of the TRPM4 protein (p.Glu5Gln). This variant is present in population databases (no rsID available, gnomAD 0.01%). This variant has not been reported in the literature in individuals affected with TRPM4-related conditions. An algorithm developed to predict the effect of missense changes on protein structure and function (PolyPhen-2) suggests that this variant is likely to be disruptive. In summary, the available evidence is currently insufficient to determine the role of this variant in disease. Therefore, it has been classified as a Variant of Uncertain Significance.